The following is an entry in ClinVar:

ClinVar aggregate classification (germline): Uncertain significance (1 of 4 stars; one submission).

Submission:

Labcorp Genetics (formerly Invitae), Labcorp
Classification: Uncertain significance. Last evaluated: 2023-09-03. Review status: criteria provided, single submitter. Criteria: Invitae Variant Classification Sherloc (09022015). Collection method: clinical testing. Allele origin: germline.
Comment: This sequence change replaces leucine, which is neutral and non-polar, with phenylalanine, which is neutral and non-polar, at codon 493 of the COL11A1 protein (p.Leu493Phe). This variant is not present in population databases (gnomAD no frequency). This variant has not been reported in the literature in individuals affected with COL11A1-related conditions. Advanced modeling of protein sequence and biophysical properties (such as structural, functional, and spatial information, amino acid conservation, physicochemical variation, residue mobility, and thermodynamic stability) performed at Invitae indicates that this missense variant is not expected to disrupt COL11A1 protein function. In summary, the available evidence is currently insufficient to determine the role of this variant in disease. Therefore, it has been classified as a Variant of Uncertain Significance.

NM_001854.4(COL11A1):c.1479G>T (p.Leu493Phe)

Gene: COL11A1 (collagen type XI alpha 1 chain; minus strand). Cytogenetic location: 1p21.1.
Variant type: single nucleotide variant.
Coding change: c.1479G>T on transcript NM_001854.4 (MANE Select); coding-DNA position 1479, G replaced by T.
Protein change: p.Leu493Phe; replaces leucine 493 with phenylalanine.
Molecular consequence: missense variant. On other transcripts: non-coding transcript variant (1).
Genome position (GRCh38, 1-based): chr1:103,015,677, C>A on the plus strand (G>T on the coding strand, the complement: COL11A1 is on the minus strand). VCF-style: chr1-103015677-C-A. GRCh37 (hg19) VCF-style: chr1-103481233-C-A.
Other names: c.1131G>T, p.Leu377Phe (NM_001168249.1, NM_080630.4); c.1362G>T, p.Leu454Phe (NM_001190709.2); c.1515G>T, p.Leu505Phe (NM_080629.3); short protein forms L505F, L377F, L454F, L493F.
Identifiers: ClinVar variation 2757550 (VCV002757550.3), dbSNP rs2101904743, ClinGen allele CA341179467.